The following is an entry in ClinVar:

NM_024426.6(WT1):c.1261A>G (p.Thr421Ala)

Gene: WT1 (WT1 transcription factor; minus strand). Cytogenetic location: 11p13.
Variant type: single nucleotide variant.
Coding change: c.1261A>G on transcript NM_024426.6 (MANE Select); coding-DNA position 1261, A replaced by G.
Protein change: p.Thr421Ala; replaces threonine 421 with alanine.
Molecular consequence: missense variant. On other transcripts: non-coding transcript variant (2).
Genome position (GRCh38, 1-based): chr11:32,396,260, T>C on the plus strand (A>G on the coding strand, the complement: WT1 is on the minus strand). VCF-style: chr11-32396260-T-C. GRCh37 (hg19) VCF-style: chr11-32417806-T-C.
Other names: c.1210A>G, p.Thr404Ala (NM_000378.6, NM_001407045.1, NM_001407048.1 and 1 more transcripts); c.610A>G, p.Thr204Ala (NM_001198551.2); c.559A>G, p.Thr187Ala (NM_001198552.2); c.73A>G, p.Thr25Ala (NM_001367854.1); c.1255A>G, p.Thr419Ala (NM_001407044.1); c.1261A>G, p.Thr421Ala (NM_001407046.1, NM_024424.5); c.1138A>G, p.Thr380Ala (NM_001407047.1); c.1087A>G, p.Thr363Ala (NM_001407050.1); and 2 more; short protein forms T167A, T187A, T25A, T399A, T416A, T419A, T204A, T363A.
Identifiers: ClinVar variation 2929832 (VCV002929832.4), dbSNP rs2132939163, ClinGen allele CA379959762.

ClinVar aggregate classification (germline): Uncertain significance. Review status: criteria provided, multiple submitters, no conflicts (2 of 4 stars). 2 submissions from 2 submitters: Uncertain significance (2). Last evaluated 2024-10-08.

Conditions:
Nephrotic syndrome, type 4 (NPHS4). Also called: Familial mesangial sclerosis; Nephrotic syndrome, early onset with diffuse mesangial sclerosis. Identifiers: Orphanet 656, MedGen C3151568, MONDO:0009733, OMIM 256370.
Drash syndrome (DDS). Also called: NEPHROPATHY, WILMS TUMOR, AND GENITAL ANOMALIES; WILMS TUMOR AND PSEUDO- OR TRUE HERMAPHRODITISM. Identifiers: Orphanet 220, MedGen C0950121, MONDO:0008682, OMIM 194080.
Wilms tumor 1 (WT1). Also called: Wilms tumor, somatic. Identifiers: Orphanet 654, MedGen CN033288, MONDO:0008679, OMIM 194070.
11p partial monosomy syndrome (WAGR). Also called: CHROMOSOME 11p13 DELETION SYNDROME; WAGR Spectrum Disorder; WAGR syndrome; WAGR Complex. Identifiers: Orphanet 893, MedGen C0206115, MONDO:0008681, OMIM 194072.
Frasier syndrome. Identifiers: Orphanet 347, MedGen C0950122, MeSH D052159, MONDO:0007635, OMIM 136680.

Submissions (2):

3billion
Classification: Uncertain significance for Nephrotic syndrome, type 4. Last evaluated: 2024-10-08. Review status: criteria provided, single submitter. Criteria: ACMG Guidelines, 2015. Collection method: clinical testing. Allele origin: germline. Affected: yes.
Comment: The variant is not observed in the gnomAD v4.1.0 dataset. Predicted Consequence/Location: Missense variant In silico tool predictions suggest damaging effect of the variant on gene or gene product [3Cnet: 0.99 (>=0.6, sensitivity 0.72 and precision 0.9)]. The same nucleotide change resulting in the same amino acid change has been previously reported to be associated with WT1 related disorder (PMID: 30406062). However, the evidence of pathogenicity is insufficient at this time. Therefore, this variant is classified as VUS according to the recommendation of ACMG/AMP guideline.

Labcorp Genetics (formerly Invitae), Labcorp
Classification: Uncertain significance for Wilms tumor 1; Drash syndrome; 11p partial monosomy syndrome; Frasier syndrome. Last evaluated: 2023-05-28. Review status: criteria provided, single submitter. Criteria: Invitae Variant Classification Sherloc (09022015). Collection method: clinical testing. Allele origin: germline.
Comment: In summary, the available evidence is currently insufficient to determine the role of this variant in disease. Therefore, it has been classified as a Variant of Uncertain Significance. An algorithm developed to predict the effect of missense changes on protein structure and function (PolyPhen-2) suggests that this variant is likely to be disruptive. This missense change has been observed in individual(s) with steroid-resistant nephrotic syndrome (PMID: 30406062). This variant is not present in population databases (gnomAD no frequency). This sequence change replaces threonine, which is neutral and polar, with alanine, which is neutral and non-polar, at codon 416 of the WT1 protein (p.Thr416Ala).

Literature cited by the submitters: PubMed 30406062 (cited by 3billion and Labcorp Genetics (formerly Invitae), Labcorp).